The following is an entry in ClinVar:

NM_021729.6(VPS11):c.1152T>C (p.Ser384=)

Gene: VPS11 (VPS11 core subunit of CORVET and HOPS complexes; plus strand). Cytogenetic location: 11q23.3.
Variant type: single nucleotide variant.
Coding change: c.1152T>C on transcript NM_021729.6 (MANE Select); coding-DNA position 1152, T replaced by C.
Protein change: p.Ser384=; no amino-acid change (serine 384 retained).
Molecular consequence: synonymous variant. On other transcripts: non-coding transcript variant (8).
Genome position (GRCh38, 1-based): chr11:119,073,865, T>C. VCF-style: chr11-119073865-T-C. GRCh37 (hg19) VCF-style: chr11-118944575-T-C.
Other names: c.1122T>C, p.Ser374= (NM_001290185.2); c.1164T>C, p.Ser388= (NM_001378218.1); c.1152T>C, p.Ser384= (NM_001378219.1); c.1137T>C, p.Ser379= (NM_001378220.1); c.1134T>C, p.Ser378= (NM_001378221.1).
Identifiers: ClinVar variation 2642454 (VCV002642454.24), dbSNP rs2497311286, ClinGen allele CA477144082.

ClinVar aggregate classification (germline): Likely benign (1 of 4 stars; one submission).

Submission:

CeGaT Center for Human Genetics Tuebingen
Classification: Likely benign. Last evaluated: 2022-07-01. Review status: criteria provided, single submitter. Criteria: CeGaT Center For Human Genetics Tuebingen Variant Classification Criteria Version 2. Collection method: clinical testing. Allele origin: germline. Affected: yes. Observed: 1 variant allele.
Comment: VPS11: PM2:Supporting, BP4, BP7